The following is an entry in ClinVar:

ClinVar aggregate classification (germline): Uncertain significance (1 of 4 stars; one submission).

Conditions:
Norman-Roberts syndrome (LIS2). Also called: Lissencephaly 2 (Norman-Roberts type). Identifiers: Orphanet 89844, MedGen C0796089, MONDO:0009760, OMIM 257320.
Familial temporal lobe epilepsy 7. Identifiers: Orphanet 101046, MedGen C4225327, MONDO:0014639, OMIM 616436.

Submission:

Labcorp Genetics (formerly Invitae), Labcorp
Classification: Uncertain significance for Familial temporal lobe epilepsy 7; Norman-Roberts syndrome. Last evaluated: 2025-05-11. Review status: criteria provided, single submitter. Criteria: Invitae Variant Classification Sherloc (09022015). Collection method: clinical testing. Allele origin: germline.
Comment: This sequence change replaces glutamic acid, which is acidic and polar, with lysine, which is basic and polar, at codon 441 of the RELN protein (p.Glu441Lys). This variant is not present in population databases (gnomAD no frequency). This variant has not been reported in the literature in individuals affected with RELN-related conditions. Invitae Evidence Modeling of protein sequence and biophysical properties (such as structural, functional, and spatial information, amino acid conservation, physicochemical variation, residue mobility, and thermodynamic stability) indicates that this missense variant is not expected to disrupt RELN protein function with a negative predictive value of 80%. In summary, the available evidence is currently insufficient to determine the role of this variant in disease. Therefore, it has been classified as a Variant of Uncertain Significance.

NM_005045.4(RELN):c.1321G>A (p.Glu441Lys)

Genes: RELN (reelin; minus strand), LOC126860131 (MED14-independent group 3 enhancer GRCh37_chr7:103301048-103302247; plus strand). Cytogenetic location: 7q22.1.
Variant type: single nucleotide variant.
Coding change: c.1321G>A on transcript NM_005045.4 (MANE Select); coding-DNA position 1321, G replaced by A.
Protein change: p.Glu441Lys; replaces glutamic acid 441 with lysine.
Molecular consequence: missense variant.
Genome position (GRCh38, 1-based): chr7:103,661,496, C>T on the plus strand (G>A on the coding strand, the complement: RELN is on the minus strand). VCF-style: chr7-103661496-C-T. GRCh37 (hg19) VCF-style: chr7-103301943-C-T.
Other names: c.1321G>A, p.Glu441Lys (NM_173054.3); short protein forms E441K.
Identifiers: ClinVar variation 4792686 (VCV004792686.1).
Genomic context (GRCh38, chr7:103,661,496, plus strand): 5'-ATTTCCTCTCTCCATCTTTGAGGAAGACCATTGATAAGCCTGATTCTATCGTTCCACATT[C>T]TGTACCAATGACAGCTCCCAAGACATCCCATCTAAAAAAAAAGGGGGATTAAGAGTTAGA-3'
Protein context (NP_005036.2, residues 431-451): WDVLGAVIGT[Glu441Lys]CGTIESGLSM